The following is an entry in ClinVar:

NM_002471.4(MYH6):c.-64G>C

Genes: MYH6 (myosin heavy chain 6; minus strand), LOC114827851 (VISTA enhancer hs2155; plus strand). Cytogenetic location: 14q11.2.
Variant type: single nucleotide variant.
Coding change: c.-64G>C on transcript NM_002471.4 (MANE Select); 64 bases upstream of the start codon, G replaced by C.
Molecular consequence: 5 prime UTR variant.
Genome position (GRCh38, 1-based): chr14:23,408,270, C>G on the plus strand (G>C on the coding strand, the complement: MYH6 is on the minus strand). VCF-style: chr14-23408270-C-G. GRCh37 (hg19) VCF-style: chr14-23877479-C-G.
Identifiers: ClinVar variation 312886 (VCV000312886.8), dbSNP rs79618123, ClinGen allele CA10643988.
Genomic context (GRCh38, chr14:23,408,270, plus strand): 5'-TGTGGACGGGCTGCAGGGCATCCCACCCCAAACCTCCTCTTACCTGGGCCGCAGGAGTCT[C>G]TCTATCTGTCCTCAAAGCTCCAGTTCCTTTATATCCCGTTTCCCCCACCCTCTGTCTAAA-3'

ClinVar aggregate classification (germline): Benign/Likely benign. Review status: criteria provided, multiple submitters, no conflicts (2 of 4 stars). 2 submissions from 2 submitters: Benign (1); Likely benign (1). Last evaluated 2016-12-22.

Allele frequency attached by ClinVar (database versions not stated): gnomAD exomes 0.00056; gnomAD 0.00698 and 0.00747; 1000 Genomes Project 0.00799; TOPMed 0.00822.
gnomAD v4.1: 1,551 of 985,448 alleles (0.16%); highest among the groups gnomAD compares: African/African-American, 2.4%; 13 homozygotes.

Submissions (2):

GeneDx
Classification: Benign. Last evaluated: 2016-12-22. Review status: criteria provided, single submitter. Criteria: GeneDx Variant Classification (06012015). Collection method: clinical testing. Allele origin: germline. Affected: yes.
Comment: This variant is considered likely benign or benign based on one or more of the following criteria: it is a conservative change, it occurs at a poorly conserved position in the protein, it is predicted to be benign by multiple in silico algorithms, and/or has population frequency not consistent with disease.

Breakthrough Genomics
Classification: Likely benign. Review status: criteria provided, single submitter. Criteria: ACMG Guidelines, 2015. Collection method: not provided. Allele origin: germline. Inheritance: Autosomal dominant inheritance. Affected: yes.